The following is an entry in ClinVar:

ClinVar aggregate classification (germline): Conflicting classifications of pathogenicity. Review status: criteria provided, conflicting classifications (1 of 4 stars). 6 submissions from 4 submitters: Uncertain significance (2); Likely benign (4). Last evaluated 2026-01-12.

Conditions:
Complement component 3 deficiency. Identifiers: Orphanet 280133, MedGen C3151071, MONDO:0013417, OMIM 613779.
Age related macular degeneration 9. Identifiers: MedGen C1969651, MONDO:0012659, OMIM 611378.
Atypical hemolytic-uremic syndrome with C3 anomaly. Also called: AHUS, SUSCEPTIBILITY TO, 5. Identifiers: Orphanet 2134, MedGen C2752037, MONDO:0013043, OMIM 612925.

Allele frequency attached by ClinVar (database versions not stated): ExAC 0.00007; gnomAD 0.00016; TOPMed 0.00018; ESP Exome Variant Server 0.00031.
gnomAD v4.1: 410 of 1,613,786 alleles (0.025%); highest among the groups gnomAD compares: Non-Finnish European, 0.032%; 1 homozygote.

Submissions (6):

Labcorp Genetics (formerly Invitae), Labcorp
Classification: Likely benign. Last evaluated: 2026-01-12. Review status: criteria provided, single submitter. Criteria: Invitae Variant Classification Sherloc (09022015). Collection method: clinical testing. Allele origin: germline.

Blueprint Genetics
Classification: Likely benign. Last evaluated: 2024-09-05. Review status: criteria provided, single submitter. Criteria: ACMG Guidelines, 2015. Collection method: clinical testing. Allele origin: germline.

Women's Health and Genetics/Laboratory Corporation of America, LabCorp
Classification: Likely benign. Last evaluated: 2024-06-11. Review status: criteria provided, single submitter. Criteria: LabCorp Variant Classification Summary - May 2015. Collection method: clinical testing. Allele origin: germline.
Comment: Variant summary: C3 c.2157G>A alters a non-conserved nucleotide resulting in a synonymous change. Consensus agreement among computation tools predict no significant impact on normal splicing. However, these predictions have yet to be confirmed by functional studies. The variant allele was found at a frequency of 0.0001 in 250448 control chromosomes. This frequency is not significantly higher than estimated for a pathogenic variant in C3 causing C3 Deficiency, allowing no conclusion about variant significance. To our knowledge, no occurrence of c.2157G>A in individuals affected with C3 Deficiency and no experimental evidence demonstrating its impact on protein function have been reported. ClinVar contains an entry for this variant (Variation ID: 722778). Based on the evidence outlined above, the variant was classified as likely benign.

Illumina Laboratory Services, Illumina
Classification: Uncertain significance for Age related macular degeneration 9. Last evaluated: 2018-01-13. Review status: criteria provided, single submitter. Criteria: ICSL Variant Classification Criteria 13 December 2019. Collection method: clinical testing. Allele origin: germline.

Illumina Laboratory Services, Illumina
Classification: Likely benign for Atypical hemolytic-uremic syndrome with C3 anomaly. Last evaluated: 2018-01-13. Review status: criteria provided, single submitter. Criteria: ICSL Variant Classification Criteria 13 December 2019. Collection method: clinical testing. Allele origin: germline.
Comment: This variant was observed in the ICSL laboratory as part of a predisposition screen in an ostensibly healthy population. It had not been previously curated by ICSL or reported in the Human Gene Mutation Database (HGMD: prior to June 1st, 2018), and was therefore a candidate for classification through an automated scoring system. Utilizing variant allele frequency, disease prevalence and penetrance estimates, and inheritance mode, an automated score was calculated to assess if this variant is too frequent to cause the disease. Based on the score and internal cut-off values, a variant classified as likely benign is not then subjected to further curation. The score for this variant resulted in a classification of likely benign for this disease.

Illumina Laboratory Services, Illumina
Classification: Uncertain significance for Complement component 3 deficiency. Last evaluated: 2018-01-13. Review status: criteria provided, single submitter. Criteria: ICSL Variant Classification Criteria 13 December 2019. Collection method: clinical testing. Allele origin: germline.

NM_000064.4(C3):c.2157G>A (p.Ala719=)

Gene: C3 (complement C3; minus strand). Cytogenetic location: 19p13.3.
Variant type: single nucleotide variant.
Coding change: c.2157G>A on transcript NM_000064.4 (MANE Select); coding-DNA position 2157, G replaced by A.
Protein change: p.Ala719=; no amino-acid change (alanine 719 retained).
Molecular consequence: synonymous variant.
Genome position (GRCh38, 1-based): chr19:6,707,164, C>T on the plus strand (G>A on the coding strand, the complement: C3 is on the minus strand). VCF-style: chr19-6707164-C-T. GRCh37 (hg19) VCF-style: chr19-6707175-C-T.
Identifiers: ClinVar variation 722778 (VCV000722778.14), dbSNP rs143671993, ClinGen allele CA9129180.